The following is an entry in ClinVar:

NM_001018113.3(FANCB):c.521G>A (p.Gly174Glu)

Gene: FANCB (FA complementation group B; minus strand). Cytogenetic location: Xp22.2.
Variant type: single nucleotide variant.
Coding change: c.521G>A on transcript NM_001018113.3 (MANE Select); coding-DNA position 521, G replaced by A.
Protein change: p.Gly174Glu; replaces glycine 174 with glutamic acid.
Molecular consequence: missense variant.
Genome position (GRCh38, 1-based): chrX:14,864,990, C>T on the plus strand (G>A on the coding strand, the complement: FANCB is on the minus strand). VCF-style: chrX-14864990-C-T. GRCh37 (hg19) VCF-style: chrX-14883112-C-T.
Other names: c.521G>A, p.Gly174Glu (NM_001324162.2, NM_152633.4); short protein forms G174E.
Identifiers: ClinVar variation 1391397 (VCV001391397.8), dbSNP rs1316359856, ClinGen allele CA412444321.
Genomic context (GRCh38, chrX:14,864,990, plus strand): 5'-TCCTCAGATAAACAACATTCCTTTAGTCCCAATAAAACCATACCTAAATTTTCAATCTCC[C>T]CTGCCCACTGAATAGAGGAAAAGTTACCTGACACACTAACAACTTTGCCAGTTTGAGAAG-3'
Protein context (NP_001018123.1, residues 164-184): SGNFSSIQWA[Gly174Glu]EIENLGMVLL

ClinVar aggregate classification (germline): Uncertain significance (1 of 4 stars; one submission).

Conditions:
Fanconi anemia (FA). Also called: Fanconi's anemia. Identifiers: Orphanet 84, MedGen C0015625, MeSH D005199, MONDO:0019391.

Allele frequency attached by ClinVar (database versions not stated): gnomAD exomes 0.00001.

Submission:

Labcorp Genetics (formerly Invitae), Labcorp
Classification: Uncertain significance for Fanconi anemia. Last evaluated: 2024-04-15. Review status: criteria provided, single submitter. Criteria: Invitae Variant Classification Sherloc (09022015). Collection method: clinical testing. Allele origin: germline.
Comment: This sequence change replaces glycine, which is neutral and non-polar, with glutamic acid, which is acidic and polar, at codon 174 of the FANCB protein (p.Gly174Glu). This variant is present in population databases (no rsID available, gnomAD 0.005%), including at least one homozygous and/or hemizygous individual. This missense change has been observed in individual(s) with clinical features of Fanconi anemia (Invitae). ClinVar contains an entry for this variant (Variation ID: 1391397). Advanced modeling of protein sequence and biophysical properties (such as structural, functional, and spatial information, amino acid conservation, physicochemical variation, residue mobility, and thermodynamic stability) performed at Invitae indicates that this missense variant is expected to disrupt FANCB protein function with a positive predictive value of 80%. In summary, the available evidence is currently insufficient to determine the role of this variant in disease. Therefore, it has been classified as a Variant of Uncertain Significance.